The following is an entry in ClinVar:

ClinVar aggregate classification (germline): Uncertain significance. Review status: criteria provided, multiple submitters, no conflicts (2 of 4 stars). 2 submissions from 2 submitters: Uncertain significance (2). Last evaluated 2025-07-02.

Allele frequency attached by ClinVar (database versions not stated): gnomAD 0.00001; TOPMed 0.00002.
gnomAD v4.1: 8 of 1,613,930 alleles (0.0005%); highest among the groups gnomAD compares: African/African-American, 0.0027%; no homozygotes.

Submissions (2):

Labcorp Genetics (formerly Invitae), Labcorp
Classification: Uncertain significance. Last evaluated: 2025-07-02. Review status: criteria provided, single submitter. Criteria: Invitae Variant Classification Sherloc (09022015). Collection method: clinical testing. Allele origin: germline.
Comment: This sequence change replaces arginine, which is basic and polar, with proline, which is neutral and non-polar, at codon 296 of the RNF43 protein (p.Arg296Pro). This variant is not present in population databases (gnomAD no frequency). This variant has not been reported in the literature in individuals affected with RNF43-related conditions. ClinVar contains an entry for this variant (Variation ID: 2549093). An algorithm developed to predict the effect of missense changes on protein structure and function (PolyPhen-2) suggests that this variant is likely to be disruptive. In summary, the available evidence is currently insufficient to determine the role of this variant in disease. Therefore, it has been classified as a Variant of Uncertain Significance.

Ambry Genetics
Classification: Uncertain significance. Last evaluated: 2025-03-22. Review status: criteria provided, single submitter. Criteria: Ambry Variant Classification Scheme 2023. Collection method: clinical testing. Allele origin: germline.
Comment: The p.R296P variant (also known as c.887G>C), located in coding exon 7 of the RNF43 gene, results from a G to C substitution at nucleotide position 887. The arginine at codon 296 is replaced by proline, an amino acid with dissimilar properties. This amino acid position is conserved. In addition, the in silico prediction for this alteration is inconclusive. Based on the available evidence, the clinical significance of this variant remains unclear.

NM_017763.6(RNF43):c.887G>C (p.Arg296Pro)

Gene: RNF43 (ring finger protein 43; minus strand). Cytogenetic location: 17q22.
Variant type: single nucleotide variant.
Coding change: c.887G>C on transcript NM_017763.6 (MANE Select); coding-DNA position 887, G replaced by C.
Protein change: p.Arg296Pro; replaces arginine 296 with proline.
Molecular consequence: missense variant.
Genome position (GRCh38, 1-based): chr17:58,360,214, C>G on the plus strand (G>C on the coding strand, the complement: RNF43 is on the minus strand). VCF-style: chr17-58360214-C-G. GRCh37 (hg19) VCF-style: chr17-56437575-C-G.
Other names: c.887G>C, p.Arg296Pro (NM_001305544.3); c.506G>C, p.Arg169Pro (NM_001305545.2); short protein forms R169P, R296P.
Identifiers: ClinVar variation 2549093 (VCV002549093.4), dbSNP rs1459309530, ClinGen allele CA400333482.